The following is an entry in ClinVar:

NM_001844.5(COL2A1):c.1680+1G>C

Gene: COL2A1 (collagen type II alpha 1 chain; minus strand). Cytogenetic location: 12q13.11.
Variant type: single nucleotide variant.
Coding change: c.1680+1G>C on transcript NM_001844.5 (MANE Select); the canonical splice donor site of the intron after coding-DNA position 1680, G replaced by C.
Molecular consequence: splice donor variant.
Genome position (GRCh38, 1-based): chr12:47,985,727, C>G on the plus strand (G>C on the coding strand, the complement: COL2A1 is on the minus strand). VCF-style: chr12-47985727-C-G. GRCh37 (hg19) VCF-style: chr12-48379510-C-G.
Other names: c.1473+1G>C (NM_033150.3).
Identifiers: ClinVar variation 392907 (VCV000392907.2), dbSNP rs1057524696, ClinGen allele CA16606554.

ClinVar aggregate classification (germline): Pathogenic (1 of 4 stars; one submission).

Submission:

GeneDx
Classification: Pathogenic. Last evaluated: 2018-12-10. Review status: criteria provided, single submitter. Criteria: GeneDx Variant Classification (06012015). Collection method: clinical testing. Allele origin: germline. Affected: yes.
Comment: The c.1680+1G>C variant in the COL2A1 gene has not been reported previously as a pathogenic variant nor as a benign variant, to our knowledge. This splice site variant destroys the canonical splice donor site in intron 25. It is predicted to cause an in-frame deletion that will detrimentally alter the collagen structure. The c.1680+1G>C variant was not observed in approximately 6500 individuals of European and African American ancestry in the NHLBI Exome Sequencing Project, indicating it is not a common benign variant in these populations. We interpret c.1680+1G>C as a pathogenic variant.